The following is an entry in ClinVar:

ClinVar aggregate classification (germline): Uncertain significance. Review status: criteria provided, single submitter (1 of 4 stars). 2 submissions from 2 submitters: Uncertain significance (1). 1 of the submissions does not count toward it. Last evaluated 2026-06-23.

Conditions:
Ataxia-telangiectasia syndrome (AT). Also called: LOUIS-BAR SYNDROME; Cerebello-oculocutaneous telangiectasia; Immunodeficiency with ataxia telangiectasia; Ataxia-telangiectasia, complementation group D; AT, COMPLEMENTATION GROUP C; ATAXIA-TELANGIECTASIA, COMPLEMENTATION GROUP A. Identifiers: Orphanet 100, MedGen C0004135, MONDO:0008840, OMIM 208900.
Hereditary cancer-predisposing syndrome. Also called: Neoplastic Syndromes, Hereditary; Tumor predisposition; Hereditary neoplastic syndrome; Hereditary Cancer Syndrome. Identifiers: Orphanet 140162, MedGen C0027672, MeSH D009386, MONDO:0015356.

Submissions (2):

Ambry Genetics
Classification: Uncertain significance for Hereditary cancer-predisposing syndrome. Last evaluated: 2026-06-23. Review status: criteria provided, single submitter. Criteria: Ambry Variant Classification Scheme 2023. Collection method: clinical testing. Allele origin: germline.
Comment: The c.7984_7985insGTG variant (also known as p.D2661_V2662insG), located in coding exon 53 of the ATM gene, results from an in-frame GTG insertion at nucleotide positions 7984 to 7985. This results in the insertion of an extra glycine residue between codons 2661 and 2662. This amino acid position is well conserved in available vertebrate species. In addition, this variant is predicted to be deleterious by in silico analysis (Choi Y et al. PLoS ONE. 2012; 7(10):e46688).. Based on the available evidence, the clinical significance of this variant remains unclear.

Natera, Inc.
Classification: Uncertain significance for Ataxia-telangiectasia. Last evaluated: 2025-05-05. Review status: no assertion criteria provided. Collection method: clinical testing. Allele origin: germline. Not counted in ClinVar's aggregate classification.

NM_000051.4(ATM):c.7984_7985insGTG (p.Asp2661_Val2662insGly)

Genes: ATM (ATM serine/threonine kinase; plus strand), C11orf65 (chromosome 11 open reading frame 65; minus strand). Cytogenetic location: 11q22.3.
Variant type: Insertion.
Coding change: c.7984_7985insGTG on transcript NM_000051.4 (MANE Select); coding-DNA positions 7984 to 7985, GTG inserted.
Protein change: p.Asp2661_Val2662insGly.
Molecular consequence: inframe insertion. On other transcripts: intron variant (2).
Genome position: GRCh38 VCF-style: chr11-108333940-A-ATGG. GRCh37 (hg19) VCF-style: chr11-108204667-A-ATGG.
Other names: c.7984_7985insGTG, p.Asp2661_Val2662insGly (NM_001351834.2); c.641-24870_641-24869insCAC (NM_001330368.2); c.*38+1279_*38+1280insCAC (NM_001351110.2).
Identifiers: ClinVar variation 4063061 (VCV004063061.2).